The following is an entry in ClinVar:

NM_002691.4(POLD1):c.668_670del (p.Ala223_Arg224delinsGly)

Gene: POLD1 (DNA polymerase delta 1, catalytic subunit; plus strand). Cytogenetic location: 19q13.33.
Variant type: Deletion.
Coding change: c.668_670del on transcript NM_002691.4 (MANE Select); coding-DNA positions 668 to 670, 3 bases deleted (CCC; older notation c.668_670delCCC).
Protein change: p.Ala223_Arg224delinsGly.
Molecular consequence: inframe indel. On other transcripts: non-coding transcript variant (1).
Genome position (GRCh38, 1-based): chr19:50,402,283-50,402,285, CCC deleted. VCF-style (leftmost placement, unchanged base first): chr19-50402282-GCCC-G. GRCh37 (hg19) VCF-style: chr19-50905539-GCCC-G.
Other names: c.668_670del, p.Ala223_Arg224delinsGly (NM_001256849.1, NM_001308632.1).
Identifiers: ClinVar variation 2129862 (VCV002129862.4), dbSNP rs2513963647, ClinGen allele CA2580097660.
Genomic context (GRCh38, chr19:50,402,282, plus strand): 5'-GGGCACGGCCCCTCCCCGTTCCTGCGCATCACCGTGGCGCTGCCGCGCCTCGTGGCCCCG[GCCC>G]GCCGTCTCCTGGAACAGGGCATCCGTGTGGCAGGCCTGGGCACGCCCAGCTTCGCGCCCT-3'

ClinVar aggregate classification (germline): Uncertain significance (1 of 4 stars; one submission).

Conditions:
POLD1-related polyposis and colorectal cancer syndrome (CRCS10). Also called: Colorectal cancer 10; COLORECTAL CANCER, SUSCEPTIBILITY TO, ON CHROMOSOME 19q; Colorectal cancer, susceptibility to, 10. Identifiers: Orphanet 220460, MedGen C2675481, MONDO:0012953, OMIM 612591.

Submission:

Labcorp Genetics (formerly Invitae), Labcorp
Classification: Uncertain significance for POLD1-related polyposis and colorectal cancer syndrome. Last evaluated: 2022-04-24. Review status: criteria provided, single submitter. Criteria: Invitae Variant Classification Sherloc (09022015). Collection method: clinical testing. Allele origin: germline.
Comment: In summary, the available evidence is currently insufficient to determine the role of this variant in disease. Therefore, it has been classified as a Variant of Uncertain Significance. Experimental studies and prediction algorithms are not available or were not evaluated, and the functional significance of this variant is currently unknown. This variant has not been reported in the literature in individuals affected with POLD1-related conditions. This variant is not present in population databases (gnomAD no frequency). This variant, c.668_670del, is a complex sequence change that results in the deletion of 2 and insertion of 1 amino acid(s) in the POLD1 protein (p.Ala223_Arg224delinsGly).